The following is an entry in ClinVar:

ClinVar aggregate classification (germline): Uncertain significance (1 of 4 stars; one submission).

Conditions:
Inborn genetic diseases. Identifiers: MedGen C0950123, MeSH D030342.

Submission:

Ambry Genetics
Classification: Uncertain significance for Inborn genetic diseases. Last evaluated: 2025-07-21. Review status: criteria provided, single submitter. Criteria: Ambry Variant Classification Scheme 2023. Collection method: clinical testing. Allele origin: germline.
Comment: The p.A43V variant (also known as c.128C>T), located in coding exon 2 of the FANCG gene, results from a C to T substitution at nucleotide position 128. The alanine at codon 43 is replaced by valine, an amino acid with similar properties. This amino acid position is conserved. In addition, this alteration is predicted to be tolerated by in silico analysis. Based on the available evidence, the clinical significance of this variant remains unclear.

NM_004629.2(FANCG):c.128C>T (p.Ala43Val)

Gene: FANCG (FA complementation group G; minus strand). Cytogenetic location: 9p13.3.
Variant type: single nucleotide variant.
Coding change: c.128C>T on transcript NM_004629.2 (MANE Select); coding-DNA position 128, C replaced by T.
Protein change: p.Ala43Val; replaces alanine 43 with valine.
Molecular consequence: missense variant.
Genome position (GRCh38, 1-based): chr9:35,079,198, G>A on the plus strand (C>T on the coding strand, the complement: FANCG is on the minus strand). VCF-style: chr9-35079198-G-A. GRCh37 (hg19) VCF-style: chr9-35079195-G-A.
Other names: short protein forms A43V.
Identifiers: ClinVar variation 4254452 (VCV004254452.1).